The following is an entry in ClinVar:

NM_000081.4(LYST):c.10435C>G (p.Pro3479Ala)

Gene: LYST (lysosomal trafficking regulator; minus strand). Cytogenetic location: 1q42.3.
Variant type: single nucleotide variant.
Coding change: c.10435C>G on transcript NM_000081.4 (MANE Select); coding-DNA position 10435, C replaced by G.
Protein change: p.Pro3479Ala; replaces proline 3479 with alanine.
Molecular consequence: missense variant.
Genome position (GRCh38, 1-based): chr1:235,697,212, G>C on the plus strand (C>G on the coding strand, the complement: LYST is on the minus strand). VCF-style: chr1-235697212-G-C. GRCh37 (hg19) VCF-style: chr1-235860512-G-C.
Other names: c.10435C>G, p.Pro3479Ala (NM_001301365.1); short protein forms P3479A.
Identifiers: ClinVar variation 2124278 (VCV002124278.4), dbSNP rs529677403, ClinGen allele CA344929237.

ClinVar aggregate classification (germline): Uncertain significance (1 of 4 stars; one submission).

Conditions:
Chédiak-Higashi syndrome (CHS). Also called: Chediak-Higashi Syndrome. Identifiers: Orphanet 167, MedGen C0007965, MONDO:0008963, OMIM 214500.

Submission:

Labcorp Genetics (formerly Invitae), Labcorp
Classification: Uncertain significance for Chédiak-Higashi syndrome. Last evaluated: 2022-04-10. Review status: criteria provided, single submitter. Criteria: Invitae Variant Classification Sherloc (09022015). Collection method: clinical testing. Allele origin: germline.
Comment: This sequence change replaces proline, which is neutral and non-polar, with alanine, which is neutral and non-polar, at codon 3479 of the LYST protein (p.Pro3479Ala). This variant is not present in population databases (gnomAD no frequency). This variant has not been reported in the literature in individuals affected with LYST-related conditions. Algorithms developed to predict the effect of missense changes on protein structure and function are either unavailable or do not agree on the potential impact of this missense change (SIFT: "Tolerated"; PolyPhen-2: "Probably Damaging"; Align-GVGD: "Class C0"). In summary, the available evidence is currently insufficient to determine the role of this variant in disease. Therefore, it has been classified as a Variant of Uncertain Significance.